The following is an entry in ClinVar:

ClinVar aggregate classification (germline): Uncertain significance. Review status: criteria provided, multiple submitters, no conflicts (2 of 4 stars). 2 submissions from 2 submitters: Uncertain significance (2). Last evaluated 2022-08-07.

Conditions:
Spastic paraplegia. Identifiers: MedGen C0037772, HP:0001258.

Submissions (2):

Labcorp Genetics (formerly Invitae), Labcorp
Classification: Uncertain significance for Spastic paraplegia. Last evaluated: 2022-08-07. Review status: criteria provided, single submitter. Criteria: Invitae Variant Classification Sherloc (09022015). Collection method: clinical testing. Allele origin: germline.
Comment: This sequence change replaces glycine, which is neutral and non-polar, with arginine, which is basic and polar, at codon 1054 of the ZFYVE26 protein (p.Gly1054Arg). This variant is not present in population databases (gnomAD no frequency). This variant has not been reported in the literature in individuals affected with ZFYVE26-related conditions. ClinVar contains an entry for this variant (Variation ID: 497398). Algorithms developed to predict the effect of missense changes on protein structure and function are either unavailable or do not agree on the potential impact of this missense change (SIFT: "Deleterious"; PolyPhen-2: "Benign"; Align-GVGD: "Class C0"). In summary, the available evidence is currently insufficient to determine the role of this variant in disease. Therefore, it has been classified as a Variant of Uncertain Significance.

Eurofins Ntd Llc (ga)
Classification: Uncertain significance. Last evaluated: 2016-10-04. Review status: criteria provided, single submitter. Criteria: EGL Classification Definitions 2015. Collection method: clinical testing. Allele origin: germline. Observed: 1 variant allele, 1 heterozygote.

NM_015346.4(ZFYVE26):c.3160G>A (p.Gly1054Arg)

Gene: ZFYVE26 (zinc finger FYVE-type containing 26; minus strand). Cytogenetic location: 14q24.1.
Variant type: single nucleotide variant.
Coding change: c.3160G>A on transcript NM_015346.4 (MANE Select); coding-DNA position 3160, G replaced by A.
Protein change: p.Gly1054Arg; replaces glycine 1054 with arginine.
Molecular consequence: missense variant.
Genome position (GRCh38, 1-based): chr14:67,786,002, C>T on the plus strand (G>A on the coding strand, the complement: ZFYVE26 is on the minus strand). VCF-style: chr14-67786002-C-T. GRCh37 (hg19) VCF-style: chr14-68252719-C-T.
Other names: short protein forms G1054R.
Identifiers: ClinVar variation 497398 (VCV000497398.6), dbSNP rs1555397587, ClinGen allele CA390172850.